The following is an entry in ClinVar:

NM_021076.4(NEFH):c.604C>G (p.Leu202Val)

Gene: NEFH (neurofilament heavy chain; plus strand). Cytogenetic location: 22q12.2.
Variant type: single nucleotide variant.
Coding change: c.604C>G on transcript NM_021076.4 (MANE Select); coding-DNA position 604, C replaced by G.
Protein change: p.Leu202Val; replaces leucine 202 with valine.
Molecular consequence: missense variant.
Genome position (GRCh38, 1-based): chr22:29,480,866, C>G. VCF-style: chr22-29480866-C-G. GRCh37 (hg19) VCF-style: chr22-29876855-C-G.
Other names: c.604C>G (NM_021076.3); short protein forms L202V.
Identifiers: ClinVar variation 1467738 (VCV001467738.7), dbSNP rs1477624540, ClinGen allele CA411123354.

ClinVar aggregate classification (germline): Uncertain significance. Review status: criteria provided, multiple submitters, no conflicts (2 of 4 stars). 2 submissions from 2 submitters: Uncertain significance (2). Last evaluated 2025-02-05.

Allele frequency attached by ClinVar (database versions not stated): gnomAD 0.00001.

Submissions (2):

GeneDx
Classification: Uncertain significance. Last evaluated: 2025-02-05. Review status: criteria provided, single submitter. Criteria: GeneDx Variant Classification Process June 2021. Collection method: clinical testing. Allele origin: germline. Affected: yes.
Comment: Not observed at significant frequency in large population cohorts (gnomAD); In silico analysis indicates that this missense variant does not alter protein structure/function; Has not been previously published as pathogenic or benign to our knowledge

Labcorp Genetics (formerly Invitae), Labcorp
Classification: Uncertain significance. Last evaluated: 2023-10-13. Review status: criteria provided, single submitter. Criteria: Invitae Variant Classification Sherloc (09022015). Collection method: clinical testing. Allele origin: germline.
Comment: This sequence change replaces leucine, which is neutral and non-polar, with valine, which is neutral and non-polar, at codon 202 of the NEFH protein (p.Leu202Val). This variant is not present in population databases (gnomAD no frequency). This variant has not been reported in the literature in individuals affected with NEFH-related conditions. ClinVar contains an entry for this variant (Variation ID: 1467738). Advanced modeling of protein sequence and biophysical properties (such as structural, functional, and spatial information, amino acid conservation, physicochemical variation, residue mobility, and thermodynamic stability) performed at Invitae indicates that this missense variant is not expected to disrupt NEFH protein function. In summary, the available evidence is currently insufficient to determine the role of this variant in disease. Therefore, it has been classified as a Variant of Uncertain Significance.